The following is an entry in ClinVar:

ClinVar aggregate classification (germline): Uncertain significance (1 of 4 stars; one submission).

Conditions:
Congenital myasthenic syndrome 12 (CMS12). Also called: MYASTHENIC SYNDROME, CONGENITAL, WITH TUBULAR AGGREGATES 1; Myasthenia, congenital, 12, with tubular aggregates. Identifiers: Orphanet 353327, Orphanet 590, MedGen C3552335, MONDO:0012518, OMIM 610542.

Allele frequency attached by ClinVar (database versions not stated): gnomAD exomes below 0.00001; TOPMed below 0.00001.
gnomAD v4.1: 1 of 1,611,402 alleles (0.000062%); highest among the groups gnomAD compares: Non-Finnish European, 0.000085%; no homozygotes.

Submission:

Labcorp Genetics (formerly Invitae), Labcorp
Classification: Uncertain significance for Congenital myasthenic syndrome 12. Last evaluated: 2025-03-17. Review status: criteria provided, single submitter. Criteria: Invitae Variant Classification Sherloc (09022015). Collection method: clinical testing. Allele origin: germline.
Comment: This sequence change replaces histidine, which is basic and polar, with arginine, which is basic and polar, at codon 215 of the GFPT1 protein (p.His215Arg). This variant is not present in population databases (gnomAD no frequency). This variant has not been reported in the literature in individuals affected with GFPT1-related conditions. ClinVar contains an entry for this variant (Variation ID: 1939181). An algorithm developed to predict the effect of missense changes on protein structure and function (PolyPhen-2) suggests that this variant is likely to be tolerated. In summary, the available evidence is currently insufficient to determine the role of this variant in disease. Therefore, it has been classified as a Variant of Uncertain Significance.

NM_001244710.2(GFPT1):c.644A>G (p.His215Arg)

Gene: GFPT1 (glutamine--fructose-6-phosphate transaminase 1; minus strand). Cytogenetic location: 2p13.3.
Variant type: single nucleotide variant.
Coding change: c.644A>G on transcript NM_001244710.2 (MANE Select); coding-DNA position 644, A replaced by G.
Protein change: p.His215Arg; replaces histidine 215 with arginine.
Molecular consequence: missense variant.
Genome position (GRCh38, 1-based): chr2:69,354,530, T>C on the plus strand (A>G on the coding strand, the complement: GFPT1 is on the minus strand). VCF-style: chr2-69354530-T-C. GRCh37 (hg19) VCF-style: chr2-69581662-T-C.
Other names: c.644A>G, p.His215Arg (NM_002056.4); short protein forms H215R.
Identifiers: ClinVar variation 1939181 (VCV001939181.5), dbSNP rs1200732185, ClinGen allele CA347130039.